The following is an entry in ClinVar:

NM_017780.4(CHD7):c.1156C>T (p.Pro386Ser)

Gene: CHD7 (chromodomain helicase DNA binding protein 7; plus strand). Cytogenetic location: 8q12.2.
Variant type: single nucleotide variant.
Coding change: c.1156C>T on transcript NM_017780.4 (MANE Select); coding-DNA position 1156, C replaced by T.
Protein change: p.Pro386Ser; replaces proline 386 with serine.
Molecular consequence: missense variant.
Genome position (GRCh38, 1-based): chr8:60,742,588, C>T. VCF-style: chr8-60742588-C-T. GRCh37 (hg19) VCF-style: chr8-61655147-C-T.
Other names: c.1156C>T, p.Pro386Ser (NM_001316690.1); short protein forms P386S.
Identifiers: ClinVar variation 4885072 (VCV004885072.2).

ClinVar aggregate classification (germline): Uncertain significance (1 of 4 stars; one submission).

Submission:

Dasa
Classification: Uncertain significance. Last evaluated: 2025-07-28. Review status: criteria provided, single submitter. Criteria: DASA Assertion Criteria. Collection method: clinical testing. Allele origin: germline.
Comment: NM_017780.4(CHD7):c.1156C>T (p.Pro386Ser) is a missense variant that results in the substitution of proline with serine. This variant is rare in population databases. Computational prediction algorithms are consistent with a benign effect. The currently available literature and clinical evidence are not sufficient to establish a definitive association between this variant and the reported condition. Therefore, this variant is classified as a variant of uncertain significance.